The following is an entry in ClinVar:

NM_000521.4(HEXB):c.772-4A>G

Gene: HEXB (hexosaminidase subunit beta; plus strand). Cytogenetic location: 5q13.3.
Variant type: single nucleotide variant.
Coding change: c.772-4A>G on transcript NM_000521.4 (MANE Select); 4 bases into the intron before coding-DNA position 772, A replaced by G.
Molecular consequence: intron variant.
Genome position (GRCh38, 1-based): chr5:74,713,502, A>G. VCF-style: chr5-74713502-A-G. GRCh37 (hg19) VCF-style: chr5-74009327-A-G.
Other names: c.97-4A>G (NM_001292004.2).
Identifiers: ClinVar variation 93203 (VCV000093203.25), dbSNP rs17561000, ClinGen allele CA146741.

ClinVar aggregate classification (germline): Benign. Review status: criteria provided, multiple submitters, no conflicts (2 of 4 stars). 10 submissions from 10 submitters: Benign (8). 2 of the submissions do not count toward it. Last evaluated 2026-02-04.

Conditions:
Sandhoff disease. Also called: Beta-hexosaminidase-beta-subunit deficiency; GM2 gangliosidosis, type 2; Total hexosaminidase deficiency; Sandhoff-Jatzkewitz-Pilz disease; GM2-GANGLIOSIDOSIS, TYPE II; HEXOSAMINIDASES A AND B DEFICIENCY. Identifiers: Orphanet 796, MedGen C0036161, MONDO:0010006, OMIM 268800.

Allele frequency attached by ClinVar (database versions not stated): ESP Exome Variant Server 0.07151; gnomAD exomes 0.07216 and 0.08537; ExAC 0.07290; 1000 Genomes Project 30x 0.03904; 1000 Genomes Project 0.03954; TOPMed 0.05961; gnomAD 0.06678 and 0.06806.
gnomAD v4.1: 134,159 of 1,607,770 alleles (8.3%); highest among the groups gnomAD compares: Non-Finnish European, 9.3%; 6,249 homozygotes.

Submissions (10):

Labcorp Genetics (formerly Invitae), Labcorp
Classification: Benign for Sandhoff disease. Last evaluated: 2026-02-04. Review status: criteria provided, single submitter. Criteria: Invitae Variant Classification Sherloc (09022015). Collection method: clinical testing. Allele origin: germline.

Genome-Nilou Lab
Classification: Benign for Sandhoff disease. Last evaluated: 2021-07-10. Review status: criteria provided, single submitter. Criteria: ACMG Guidelines, 2015. Collection method: clinical testing. Allele origin: germline. Affected: no.

Illumina Laboratory Services, Illumina
Classification: Benign for Sandhoff disease. Last evaluated: 2018-01-12. Review status: criteria provided, single submitter. Criteria: ICSL Variant Classification Criteria 13 December 2019. Collection method: clinical testing. Allele origin: germline.
Comment: This variant was observed in the ICSL laboratory as part of a predisposition screen in an ostensibly healthy population. It had not been previously curated by ICSL or reported in the Human Gene Mutation Database (HGMD: prior to June 1st, 2018), and was therefore a candidate for classification through an automated scoring system. Utilizing variant allele frequency, disease prevalence and penetrance estimates, and inheritance mode, an automated score was calculated to assess if this variant is too frequent to cause the disease. Based on the score and internal cut-off values, a variant classified as benign is not then subjected to further curation. The score for this variant resulted in a classification of benign for this disease.

Women's Health and Genetics/Laboratory Corporation of America, LabCorp
Classification: Benign. Last evaluated: 2016-11-25. Review status: criteria provided, single submitter. Criteria: LabCorp Variant Classification Summary - May 2015. Collection method: clinical testing. Allele origin: germline.
Comment: Variant summary: The HEXB c.772-4A>G variant involves the alteration of a non-conserved intronic nucleotide. One in silico tool predicts a polymorphism outcome for this variant. 5/5 splice prediction tools predict no significant impact on normal splicing. However, these predictions have yet to be confirmed by functional studies. This variant was found in 8848/121370 control chromosomes (502 homozygotes) at a frequency of 0.072901, which is approximately 49 times the estimated maximal expected allele frequency of a pathogenic HEXB variant (0.001479), suggesting this variant is likely a benign polymorphism. In addition, multiple clinical diagnostic laboratories/reputable databases classified this variant as benign. Taken together, this variant is classified as benign.

GeneDx
Classification: Benign. Last evaluated: 2015-03-03. Review status: criteria provided, single submitter. Criteria: GeneDx Variant Classification Process June 2021. Collection method: clinical testing. Allele origin: germline. Affected: yes.

Eurofins Ntd Llc (ga)
Classification: Benign. Last evaluated: 2012-12-13. Review status: criteria provided, single submitter. Criteria: EGL Classification Definitions 2015. Collection method: clinical testing. Allele origin: germline. Observed: 17 variant alleles, 16 heterozygotes, 1 homozygote.

Breakthrough Genomics
Classification: Benign. Review status: criteria provided, single submitter. Criteria: ACMG Guidelines, 2015. Collection method: not provided. Allele origin: germline. Inheritance: Autosomal recessive inheritance. Affected: yes.

PreventionGenetics, part of Exact Sciences
Classification: Benign. Review status: criteria provided, single submitter. Criteria: ACMG Guidelines, 2015. Collection method: clinical testing. Allele origin: germline.

Natera, Inc.
Classification: Benign for Sandhoff disease. Last evaluated: 2020-09-16. Review status: no assertion criteria provided. Collection method: clinical testing. Allele origin: germline. Not counted in ClinVar's aggregate classification.

Mayo Clinic Laboratories, Mayo Clinic
Classification: Benign. Last evaluated: 2015-10-23. Review status: no assertion criteria provided. Collection method: clinical testing. Allele origin: unknown. Not counted in ClinVar's aggregate classification.